The following is an entry in ClinVar:

NM_021961.6(TEAD1):c.730C>T (p.His244Tyr)

Gene: TEAD1 (TEA domain transcription factor 1; plus strand). Cytogenetic location: 11p15.3.
Variant type: single nucleotide variant.
Coding change: c.730C>T on transcript NM_021961.6 (MANE Select); coding-DNA position 730, C replaced by T.
Protein change: p.His244Tyr; replaces histidine 244 with tyrosine.
Molecular consequence: missense variant.
Genome position (GRCh38, 1-based): chr11:12,901,970, C>T. VCF-style: chr11-12901970-C-T. GRCh37 (hg19) VCF-style: chr11-12923517-C-T.
Other names: short protein forms H244Y.
Identifiers: ClinVar variation 4700994 (VCV004700994.1).

ClinVar aggregate classification (germline): Uncertain significance (1 of 4 stars; one submission).

Submission:

Labcorp Genetics (formerly Invitae), Labcorp
Classification: Uncertain significance. Last evaluated: 2025-09-23. Review status: criteria provided, single submitter. Criteria: Invitae Variant Classification Sherloc (09022015). Collection method: clinical testing. Allele origin: germline.
Comment: This sequence change replaces histidine, which is basic and polar, with tyrosine, which is neutral and polar, at codon 244 of the TEAD1 protein (p.His244Tyr). This variant is not present in population databases (gnomAD no frequency). This variant has not been reported in the literature in individuals affected with TEAD1-related conditions. Invitae Evidence Modeling of protein sequence and biophysical properties (such as structural, functional, and spatial information, amino acid conservation, physicochemical variation, residue mobility, and thermodynamic stability) indicates that this missense variant is not expected to disrupt TEAD1 protein function with a negative predictive value of 80%. In summary, the available evidence is currently insufficient to determine the role of this variant in disease. Therefore, it has been classified as a Variant of Uncertain Significance.